The following is an entry in ClinVar:

ClinVar aggregate classification (germline): Benign/Likely benign. Review status: criteria provided, multiple submitters, no conflicts (2 of 4 stars). 6 submissions from 6 submitters: Benign (1); Likely benign (2). 3 of the submissions do not count toward it. Last evaluated 2018-10-17.

Conditions:
CDH23-related disorder. Also called: CDH23-related condition; CDH23-related disorders.

Allele frequency attached by ClinVar (database versions not stated): 1000 Genomes Project 0.00699; 1000 Genomes Project 30x 0.00734; ESP Exome Variant Server 0.00839; gnomAD 0.00906; TOPMed 0.00943.
gnomAD v4.1: 2,603 of 1,613,648 alleles (0.16%); highest among the groups gnomAD compares: African/African-American, 3%; 45 homozygotes.

Submissions (6):

GeneDx
Classification: Likely benign. Last evaluated: 2018-10-17. Review status: criteria provided, single submitter. Criteria: GeneDx Variant Classification Process June 2021. Collection method: clinical testing. Allele origin: germline. Affected: yes.

Laboratory for Molecular Medicine, Mass General Brigham Personalized Medicine
Classification: Benign. Last evaluated: 2012-04-30. Review status: criteria provided, single submitter. Criteria: LMM Criteria. Collection method: clinical testing. Allele origin: germline. Observed: 10 variant alleles.
Comment: Cys508Phe in Exon 14 of CDH23: This variant is not expected to have clinical sig nificance because it has been identified in 2.7% (88/3278) of African American c hromosomes from a broad population by the NHLBI Exome Sequencing Project (dbSNP rs115450602).

Breakthrough Genomics
Classification: Likely benign. Review status: criteria provided, single submitter. Criteria: ACMG Guidelines, 2015. Collection method: not provided. Allele origin: germline. Inheritance: Autosomal recessive inheritance. Affected: yes.

PreventionGenetics, part of Exact Sciences
Classification: Benign for CDH23-related condition. Last evaluated: 2019-07-24. Review status: no assertion criteria provided. Collection method: clinical testing. Allele origin: germline. Not counted in ClinVar's aggregate classification.
Comment: This variant is classified as benign based on ACMG/AMP sequence variant interpretation guidelines (Richards et al. 2015 PMID: 25741868, with internal and published modifications).

Clinical Genetics DNA and cytogenetics Diagnostics Lab, Erasmus MC, Erasmus Medical Center
Classification: Benign. Review status: no assertion criteria provided. Collection method: clinical testing. Allele origin: germline. Affected: yes. Study: VKGL Data-share Consensus. Not counted in ClinVar's aggregate classification.

Clinical Genetics, Academic Medical Center
Classification: Benign. Review status: no assertion criteria provided. Collection method: clinical testing. Allele origin: germline. Affected: yes. Study: VKGL Data-share Consensus. Not counted in ClinVar's aggregate classification.

NM_022124.6(CDH23):c.1449+74G>T

Gene: CDH23 (cadherin related 23; plus strand). Cytogenetic location: 10q22.1.
Variant type: single nucleotide variant.
Coding change: c.1449+74G>T on transcript NM_022124.6 (MANE Select); 74 bases into the intron after coding-DNA position 1449, G replaced by T.
Molecular consequence: intron variant. On other transcripts: missense variant (1).
Genome position (GRCh38, 1-based): chr10:71,646,691, G>T. VCF-style: chr10-71646691-G-T. GRCh37 (hg19) VCF-style: chr10-73406448-G-T.
Other names: c.1523G>T, p.Cys508Phe (NM_052836.4); c.1449+74G>T (NM_001171930.2, NM_001171931.2); short protein forms C508F.
Identifiers: ClinVar variation 46543 (VCV000046543.12), dbSNP rs115450602, ClinGen allele CA138594.